The following is an entry in ClinVar:

NM_014236.4(GNPAT):c.616G>T (p.Ala206Ser)

Gene: GNPAT (glyceronephosphate O-acyltransferase; plus strand). Cytogenetic location: 1q42.2.
Variant type: single nucleotide variant.
Coding change: c.616G>T on transcript NM_014236.4 (MANE Select); coding-DNA position 616, G replaced by T.
Protein change: p.Ala206Ser; replaces alanine 206 with serine.
Molecular consequence: missense variant.
Genome position (GRCh38, 1-based): chr1:231,265,340, G>T. VCF-style: chr1-231265340-G-T. GRCh37 (hg19) VCF-style: chr1-231401086-G-T.
Other names: c.616G>T (NM_014236.3); c.433G>T, p.Ala145Ser (NM_001316350.2); short protein forms A145S, A206S.
Identifiers: ClinVar variation 1994711 (VCV001994711.5), dbSNP rs1164328758, ClinGen allele CA345233173.

ClinVar aggregate classification (germline): Uncertain significance. Review status: criteria provided, multiple submitters, no conflicts (2 of 4 stars). 2 submissions from 2 submitters: Uncertain significance (2). Last evaluated 2024-08-04.

Conditions:
Inborn genetic diseases. Identifiers: MedGen C0950123, MeSH D030342.

Allele frequency attached by ClinVar (database versions not stated): TOPMed below 0.00001.

Submissions (2):

Ambry Genetics
Classification: Uncertain significance for Inborn genetic diseases. Last evaluated: 2024-08-04. Review status: criteria provided, single submitter. Criteria: Ambry Variant Classification Scheme 2023. Collection method: clinical testing. Allele origin: germline.

Labcorp Genetics (formerly Invitae), Labcorp
Classification: Uncertain significance. Last evaluated: 2022-05-15. Review status: criteria provided, single submitter. Criteria: Invitae Variant Classification Sherloc (09022015). Collection method: clinical testing. Allele origin: germline.
Comment: Algorithms developed to predict the effect of missense changes on protein structure and function (SIFT, PolyPhen-2, Align-GVGD) all suggest that this variant is likely to be disruptive. In summary, the available evidence is currently insufficient to determine the role of this variant in disease. Therefore, it has been classified as a Variant of Uncertain Significance. This variant has not been reported in the literature in individuals affected with GNPAT-related conditions. This variant is not present in population databases (gnomAD no frequency). This sequence change replaces alanine, which is neutral and non-polar, with serine, which is neutral and polar, at codon 206 of the GNPAT protein (p.Ala206Ser).